The following is an entry in ClinVar:

NM_000091.5(COL4A3):c.3955+1G>C

Genes: COL4A3 (collagen type IV alpha 3 chain; plus strand), MFF-DT (MFF divergent transcript; minus strand). Cytogenetic location: 2q36.3.
Variant type: single nucleotide variant.
Coding change: c.3955+1G>C on transcript NM_000091.5 (MANE Select); the canonical splice donor site of the intron after coding-DNA position 3955, G replaced by C.
Molecular consequence: splice donor variant.
Genome position (GRCh38, 1-based): chr2:227,303,111, G>C. VCF-style: chr2-227303111-G-C. GRCh37 (hg19) VCF-style: chr2-228167827-G-C.
Identifiers: ClinVar variation 1358553 (VCV001358553.8), dbSNP rs2106267620, ClinGen allele CA350862279.

ClinVar aggregate classification (germline): Pathogenic (1 of 4 stars; one submission).

Submission:

Labcorp Genetics (formerly Invitae), Labcorp
Classification: Pathogenic. Last evaluated: 2021-03-25. Review status: criteria provided, single submitter. Criteria: Invitae Variant Classification Sherloc (09022015). Collection method: clinical testing. Allele origin: germline.
Comment: For these reasons, this variant has been classified as Pathogenic. Algorithms developed to predict the effect of sequence changes on RNA splicing suggest that this variant may disrupt the consensus splice site, but this prediction has not been confirmed by published transcriptional studies. This variant has been observed in individual(s) with autosomal recessive Alport syndrome (PMID: 25307543). This variant is not present in population databases (ExAC no frequency). This sequence change affects a donor splice site in intron 44 of the COL4A3 gene. It is expected to disrupt RNA splicing. Variants that disrupt the donor or acceptor splice site typically lead to a loss of protein function (PMID: 16199547), and loss-of-function variants in COL4A3 are known to be pathogenic (PMID: 8956999, 24854265, 26809805, 27281700).

Literature cited by the submitters: PubMed 25307543; PubMed 16199547; PubMed 8956999; PubMed 24854265; PubMed 26809805; PubMed 27281700.